The following is an entry in ClinVar:

NM_001278116.2(L1CAM):c.3763G>T (p.Ala1255Ser)

Gene: L1CAM (L1 cell adhesion molecule; minus strand). Cytogenetic location: Xq28.
Variant type: single nucleotide variant.
Coding change: c.3763G>T on transcript NM_001278116.2 (MANE Select); coding-DNA position 3763, G replaced by T.
Protein change: p.Ala1255Ser; replaces alanine 1255 with serine.
Molecular consequence: missense variant.
Genome position (GRCh38, 1-based): chrX:153,862,674, C>A on the plus strand (G>T on the coding strand, the complement: L1CAM is on the minus strand). VCF-style: chrX-153862674-C-A. GRCh37 (hg19) VCF-style: chrX-153128129-C-A.
Other names: c.3763G>T, p.Ala1255Ser (NM_000425.5); c.3736G>T, p.Ala1246Ser (NM_001143963.2); c.3751G>T, p.Ala1251Ser (NM_024003.3); short protein forms A1246S, A1255S, A1251S.
Identifiers: ClinVar variation 4738081 (VCV004738081.1).

ClinVar aggregate classification (germline): Uncertain significance (1 of 4 stars; one submission).

Conditions:
Spastic paraplegia. Identifiers: MedGen C0037772, HP:0001258.

gnomAD v4.1: 2 of 1,208,959 alleles (0.00017%); highest among the groups gnomAD compares: Non-Finnish European, 0.00011%; no homozygotes.

Submission:

Labcorp Genetics (formerly Invitae), Labcorp
Classification: Uncertain significance for Spastic paraplegia. Last evaluated: 2025-08-06. Review status: criteria provided, single submitter. Criteria: Invitae Variant Classification Sherloc (09022015). Collection method: clinical testing. Allele origin: germline.
Comment: This sequence change replaces alanine, which is neutral and non-polar, with serine, which is neutral and polar, at codon 1255 of the L1CAM protein (p.Ala1255Ser). This variant is not present in population databases (gnomAD no frequency). This variant has not been reported in the literature in individuals affected with L1CAM-related conditions. Invitae Evidence Modeling of protein sequence and biophysical properties (such as structural, functional, and spatial information, amino acid conservation, physicochemical variation, residue mobility, and thermodynamic stability) indicates that this missense variant is not expected to disrupt L1CAM protein function with a negative predictive value of 95%. In summary, the available evidence is currently insufficient to determine the role of this variant in disease. Therefore, it has been classified as a Variant of Uncertain Significance.